The following is an entry in ClinVar:

ClinVar aggregate classification (germline): Pathogenic/Likely pathogenic. Review status: criteria provided, multiple submitters, no conflicts (2 of 4 stars). 5 submissions from 5 submitters: Pathogenic (1); Likely pathogenic (3). 1 of the submissions does not count toward it. Last evaluated 2024-11-15.

Conditions:
Hereditary cancer-predisposing syndrome. Also called: Hereditary neoplastic syndrome; Hereditary Cancer Syndrome; Tumor predisposition; Neoplastic Syndromes, Hereditary. Identifiers: Orphanet 140162, MedGen C0027672, MeSH D009386, MONDO:0015356.
Hereditary nonpolyposis colorectal neoplasms. Identifiers: MedGen C0009405, MeSH D003123.
Lynch syndrome 4 (LYNCH4). Also called: Hereditary non-polyposis colorectal cancer, type 4; Colorectal cancer, hereditary nonpolyposis, type 4. Identifiers: Orphanet 144, MedGen C1838333, MONDO:0013699, OMIM 614337. Disease mechanism: loss of function.
Carcinoma of colon (CRC). Also called: Colon carcinoma; Colonic carcinoma. Identifiers: MedGen C0699790, MONDO:0002032.

Submissions (5):

Ambry Genetics
Classification: Likely pathogenic for Hereditary cancer-predisposing syndrome. Last evaluated: 2024-11-15. Review status: criteria provided, single submitter. Criteria: Ambry Variant Classification Scheme 2023. Collection method: clinical testing. Allele origin: germline.
Comment: The c.2445+1G>A intronic variant results from a G to A substitution one nucleotide after coding exon 14 of the PMS2 gene. This alteration occurs at the 3' terminus of the PMS2 gene, is not expected to trigger nonsense-mediated mRNA decay, and only impacts the last 12% of the protein. The exact functional effect of this alteration is unknown; however, a significant portion of the protein is affected, and the impacted region is critical for protein function (Ambry internal data). This variant is considered to be rare based on population cohorts in the Genome Aggregation Database (gnomAD). This nucleotide position is highly conserved in available vertebrate species. In silico splice site analysis predicts that this alteration will weaken the native splice donor site. Based on the majority of available evidence to date, this variant is likely to be pathogenic.

Labcorp Genetics (formerly Invitae), Labcorp
Classification: Pathogenic for Hereditary nonpolyposis colorectal neoplasms. Last evaluated: 2024-04-04. Review status: criteria provided, single submitter. Criteria: Invitae Variant Classification Sherloc (09022015). Collection method: clinical testing. Allele origin: germline.
Comment: This sequence change affects a donor splice site in intron 14 of the PMS2 gene. RNA analysis indicates that disruption of this splice site induces altered splicing and likely disrupts the C-terminus of the protein. The frequency data for this variant in the population databases (gnomAD) is considered unreliable due to the presence of homologous sequence, such as pseudogenes or paralogs, in the genome. This variant has not been reported in the literature in individuals affected with PMS2-related conditions. ClinVar contains an entry for this variant (Variation ID: 484307). Variants that disrupt the consensus splice site are a relatively common cause of aberrant splicing (PMID: 17576681, 9536098). Studies have shown that disruption of this splice site results in the retention of 85 base pairs and the production of aberrant transcripts and introduces a new termination codon (PMID: 26247049; Invitae). However the mRNA is not expected to undergo nonsense-mediated decay. This variant disrupts a region of the PMS2 protein in which other variant(s) (p.Trp841Glyfs*10) have been determined to be pathogenic (PMID: 10037723, 16338176, 20533529, 26116798, 28218421). This suggests that this is a clinically significant region of the protein, and that variants that disrupt it are likely to be disease-causing. For these reasons, this variant has been classified as Pathogenic.

Myriad Genetics, Inc.
Classification: Likely pathogenic for Lynch syndrome 4. Last evaluated: 2023-09-25. Review status: criteria provided, single submitter. Criteria: Myriad Autosomal Dominant, Autosomal Recessive and X-Linked Classification Criteria (2023). Collection method: clinical testing. Allele origin: unknown.
Comment: This variant is considered likely pathogenic. This variant occurs within a consensus splice junction and is predicted to result in abnormal mRNA splicing of either an out-of-frame exon or an in-frame exon necessary for protein stability and/or normal function.

Baylor Genetics
Classification: Likely pathogenic for Lynch syndrome 4. Last evaluated: 2023-03-10. Review status: criteria provided, single submitter. Criteria: ACMG Guidelines, 2015. Collection method: clinical testing. Allele origin: unknown.

Department of Pathology and Laboratory Medicine, Sinai Health System
Classification: Pathogenic for Carcinoma of colon. Review status: no assertion criteria provided. Collection method: clinical testing. Allele origin: unknown. Affected: yes. Observed: 2 variant alleles. Study: The Canadian Open Genetics Repository (COGR). Not counted in ClinVar's aggregate classification.
Comment: The PMS2 c.2445+1G>A variant was not identified in the literature nor was it identified in the following databases: dbSNP, ClinVar, Cosmic, MutDB, Insight Colon Cancer Gene Variant Database, Zhejiang Colon Cancer Database, Mismatch Repair Genes Variant Database, or Insight Hereditary Tumors Database. The variant was not identified in the control databases: the 1000 Genomes Project, the NHLBI GO Exome Sequencing Project, the Exome Aggregation Consortium (August 8th 2016), or the Genome Aggregation Database (Feb 27, 2017). The c.2445+1G>A variant is predicted to cause abnormal splicing because the nucleotide substitution occurs in the invariant region of the splice consensus sequence. In addition, 5 of 5 in silico or computational prediction software programs (SpliceSiteFinder, MaxEntScan, NNSPLICE, GeneSplicer, HumanSpliceFinder) predict a greater than 10% difference in splicing. In summary, based on the above information this variant meets our laboratoryâ€šÃ„Ã´s criteria to be classified as pathogenic.

Literature cited by the submitters: PubMed 17576681 (cited by Labcorp Genetics (formerly Invitae), Labcorp); PubMed 9536098 (cited by Labcorp Genetics (formerly Invitae), Labcorp); PubMed 26247049 (cited by Labcorp Genetics (formerly Invitae), Labcorp); PubMed 10037723 (cited by Labcorp Genetics (formerly Invitae), Labcorp); PubMed 16338176 (cited by Labcorp Genetics (formerly Invitae), Labcorp); PubMed 20533529 (cited by Labcorp Genetics (formerly Invitae), Labcorp); PubMed 26116798 (cited by Labcorp Genetics (formerly Invitae), Labcorp); PubMed 28218421 (cited by Labcorp Genetics (formerly Invitae), Labcorp).

NM_000535.7(PMS2):c.2445+1G>A

Gene: PMS2 (PMS1 homolog 2, mismatch repair system component; minus strand). Cytogenetic location: 7p22.1.
Variant type: single nucleotide variant.
Coding change: c.2445+1G>A on transcript NM_000535.7 (MANE Select); the canonical splice donor site of the intron after coding-DNA position 2445, G replaced by A.
Molecular consequence: splice donor variant.
Genome position (GRCh38, 1-based): chr7:5,977,587, C>T on the plus strand (G>A on the coding strand, the complement: PMS2 is on the minus strand). VCF-style: chr7-5977587-C-T. GRCh37 (hg19) VCF-style: chr7-6017218-C-T.
Other names: c.1512+1G>A (NM_001322011.2, NM_001322012.2); c.2337+1G>A (NM_001406869.1); c.2247+1G>A (NM_001406873.1); c.1242+1G>A (NM_001406912.1); c.2289+1G>A (NM_001322006.2); c.2322+1G>A (NM_001406870.1); c.2277+1G>A (NM_001406872.1, NM_001406874.1); c.2301+1G>A (NM_001406871.1); and 20 more.
Identifiers: ClinVar variation 484307 (VCV000484307.18), dbSNP rs876661113, ClinGen allele CA366735529.